The following is an entry in ClinVar:

ClinVar aggregate classification (germline): Likely benign (0 of 4 stars; one submission).

Conditions:
PKD1L1-related disorder. Also called: PKD1L1-related condition.

Allele frequency attached by ClinVar (database versions not stated): gnomAD 0.00002; TOPMed 0.00004; ExAC 0.00007; ESP Exome Variant Server 0.00008.
gnomAD v4.1: 46 of 1,611,624 alleles (0.0029%); highest among the groups gnomAD compares: Admixed American, 0.023%; no homozygotes.

Submission:

PreventionGenetics, part of Exact Sciences
Classification: Likely benign for PKD1L1-related condition. Last evaluated: 2020-12-22. Review status: no assertion criteria provided. Collection method: clinical testing. Allele origin: germline.
Comment: This variant is classified as likely benign based on ACMG/AMP sequence variant interpretation guidelines (Richards et al. 2015 PMID: 25741868, with internal and published modifications).

NM_138295.5(PKD1L1):c.159C>T (p.Val53=)

Gene: PKD1L1 (polycystin 1 like 1, transient receptor potential channel interacting; minus strand). Cytogenetic location: 7p12.3.
Variant type: single nucleotide variant.
Coding change: c.159C>T on transcript NM_138295.5 (MANE Select); coding-DNA position 159, C replaced by T.
Protein change: p.Val53=; no amino-acid change (valine 53 retained).
Molecular consequence: synonymous variant.
Genome position (GRCh38, 1-based): chr7:47,943,397, G>A on the plus strand (C>T on the coding strand, the complement: PKD1L1 is on the minus strand). VCF-style: chr7-47943397-G-A. GRCh37 (hg19) VCF-style: chr7-47982994-G-A.
Identifiers: ClinVar variation 3031563 (VCV003031563.2), dbSNP rs145638716, ClinGen allele CA4254470.